The following is an entry in ClinVar:

NM_001374828.1(ARID1B):c.2654C>T (p.Ser885Leu)

Gene: ARID1B (AT-rich interaction domain 1B; plus strand). Cytogenetic location: 6q25.3.
Variant type: single nucleotide variant.
Coding change: c.2654C>T on transcript NM_001374828.1 (MANE Select); coding-DNA position 2654, C replaced by T.
Protein change: p.Ser885Leu; replaces serine 885 with leucine.
Molecular consequence: missense variant.
Genome position (GRCh38, 1-based): chr6:157,133,100, C>T. VCF-style: chr6-157133100-C-T. GRCh37 (hg19) VCF-style: chr6-157454234-C-T.
Other names: c.2444C>T, p.Ser815Leu (NM_020732.3); c.155C>T, p.Ser52Leu (NM_001363725.2); c.2693C>T, p.Ser898Leu (NM_001371656.1, NM_001374820.1); c.2654C>T, p.Ser885Leu (NM_017519.3); short protein forms S815L, S52L, S885L, S898L.
Identifiers: ClinVar variation 191216 (VCV000191216.43), dbSNP rs150140314, ClinGen allele CA236273.

ClinVar aggregate classification (germline): Benign/Likely benign. Review status: criteria provided, multiple submitters, no conflicts (2 of 4 stars). 9 submissions from 9 submitters: Benign (3); Likely benign (5). 1 of the submissions does not count toward it. Last evaluated 2026-01-05.

Conditions:
ARID1B-Related Disorder. Identifiers: MedGen CN381337.
Inborn genetic diseases. Identifiers: MedGen C0950123, MeSH D030342.
Coffin-Siris syndrome 1 (CSS1). Also called: ARID1B-Related Coffin-Siris Syndrome; Mental retardation, autosomal dominant 12. Identifiers: Orphanet 1465, MedGen C3281201, MONDO:0007617, OMIM 135900. Disease mechanism: gain of function.

Allele frequency attached by ClinVar (database versions not stated): ExAC 0.00038; ESP Exome Variant Server 0.00092; gnomAD 0.00107 and 0.00108; TOPMed 0.00122; 1000 Genomes Project 0.00140; 1000 Genomes Project 30x 0.00172.
gnomAD v4.1: 376 of 1,614,180 alleles (0.023%); highest among the groups gnomAD compares: African/African-American, 0.37%; no homozygotes.

Submissions (9):

Labcorp Genetics (formerly Invitae), Labcorp
Classification: Benign. Last evaluated: 2026-01-05. Review status: criteria provided, single submitter. Criteria: Invitae Variant Classification Sherloc (09022015). Collection method: clinical testing. Allele origin: germline.

Blueprint Genetics
Classification: Likely benign. Last evaluated: 2024-09-23. Review status: criteria provided, single submitter. Criteria: ACMG Guidelines, 2015. Collection method: clinical testing. Allele origin: germline.

CeGaT Center for Human Genetics Tuebingen
Classification: Likely benign. Last evaluated: 2024-07-01. Review status: criteria provided, single submitter. Criteria: CeGaT Center For Human Genetics Tuebingen Variant Classification Criteria Version 2. Collection method: clinical testing. Allele origin: germline. Affected: yes. Observed: 3 variant alleles.
Comment: ARID1B: BS1

Ambry Genetics
Classification: Likely benign for Inborn genetic diseases. Last evaluated: 2022-05-11. Review status: criteria provided, single submitter. Criteria: Ambry Variant Classification Scheme 2023. Collection method: clinical testing. Allele origin: germline.

Genome-Nilou Lab
Classification: Benign for Coffin-Siris syndrome 1. Last evaluated: 2021-07-15. Review status: criteria provided, single submitter. Criteria: ACMG Guidelines, 2015. Collection method: clinical testing. Allele origin: germline. Affected: no.

GeneDx
Classification: Benign. Last evaluated: 2020-03-24. Review status: criteria provided, single submitter. Criteria: GeneDx Variant Classification Process June 2021. Collection method: clinical testing. Allele origin: germline. Affected: yes.

Genomic Medicine Center of Excellence, King Faisal Specialist Hospital and Research Centre
Classification: Likely benign. Last evaluated: 2016-09-28. Review status: criteria provided, single submitter. Criteria: ACMG Guidelines, 2015. Collection method: research. Allele origin: germline. Affected: yes.

Breakthrough Genomics
Classification: Likely benign. Review status: criteria provided, single submitter. Criteria: ACMG Guidelines, 2015. Collection method: not provided. Allele origin: germline. Inheritance: Autosomal dominant inheritance. Affected: yes.

PreventionGenetics, part of Exact Sciences
Classification: Likely benign for ARID1B-related condition. Last evaluated: 2019-05-20. Review status: no assertion criteria provided. Collection method: clinical testing. Allele origin: germline. Not counted in ClinVar's aggregate classification.
Comment: This variant is classified as likely benign based on ACMG/AMP sequence variant interpretation guidelines (Richards et al. 2015 PMID: 25741868, with internal and published modifications).